The following is an entry in ClinVar:

NM_000552.5(VWF):c.3538+1G>A

Gene: VWF (von Willebrand factor; minus strand). Cytogenetic location: 12p13.31.
Variant type: single nucleotide variant.
Coding change: c.3538+1G>A on transcript NM_000552.5 (MANE Select); the canonical splice donor site of the intron after coding-DNA position 3538, G replaced by A.
Molecular consequence: splice donor variant.
Genome position (GRCh38, 1-based): chr12:6,022,739, C>T on the plus strand (G>A on the coding strand, the complement: VWF is on the minus strand). VCF-style: chr12-6022739-C-T. GRCh37 (hg19) VCF-style: chr12-6131905-C-T.
Identifiers: ClinVar variation 100267 (VCV000100267.3), dbSNP rs267607331, ClinGen allele CA228420.

ClinVar aggregate classification (germline): Pathogenic. Review status: criteria provided, single submitter (1 of 4 stars). 2 submissions from 2 submitters: Pathogenic (1). 1 of the submissions does not count toward it. Last evaluated 2025-04-22.

Conditions:
von Willebrand disorder (VWD). Also called: Von Willebrand disease (hereditary or acquired); von Willebrand Diseases; von Willebrand's disease. Identifiers: MedGen C0042974, MeSH D014842, MONDO:0024574.

Submissions (2):

Women's Health and Genetics/Laboratory Corporation of America, LabCorp
Classification: Pathogenic for von Willebrand disorder. Last evaluated: 2025-04-22. Review status: criteria provided, single submitter. Criteria: LabCorp Variant Classification Summary - May 2015. Collection method: clinical testing. Allele origin: germline.
Comment: Variant summary: VWF c.3538+1G>A is located in a canonical splice-site and is predicted to affect mRNA splicing resulting in a significantly altered protein due to either exon skipping, shortening, or inclusion of intronic material. Variants that disrupt the consensus splice site are a relatively common cause of aberrant splicing and loss of VWF function. Several computational tools predict a significant impact on normal splicing: Four predict the variant abolishes a 5' splicing donor site. However, these predictions have yet to be confirmed by functional studies. The variant was absent in 53836 control chromosomes. c.3538+1G>A has been observed in the heterozygous state in individuals affected with Von Willebrand Disease (Kim_2019, James_2007, Downes_2019, Robertson_2011). These data indicate that the variant is likely to be associated with disease. To our knowledge, no experimental evidence demonstrating an impact on protein function has been reported. The following publications have been ascertained in the context of this evaluation (PMID: 31064749, 17190853, 31240882, 21711445). ClinVar contains an entry for this variant (Variation ID: 100267). Based on the evidence outlined above, the variant was classified as pathogenic.

Academic Unit of Haematology, University of Sheffield
No classification provided. Review status: no classification provided. Collection method: not provided. Allele origin: not provided. Not counted in ClinVar's aggregate classification.

Literature cited by the submitters: PubMed 31064749 (cited by Women's Health and Genetics/Laboratory Corporation of America, LabCorp); PubMed 17190853 (cited by Women's Health and Genetics/Laboratory Corporation of America, LabCorp); PubMed 21711445 (cited by Women's Health and Genetics/Laboratory Corporation of America, LabCorp); PubMed 31240882 (cited by Women's Health and Genetics/Laboratory Corporation of America, LabCorp).